The following is an entry in ClinVar:

NM_014423.4(AFF4):c.2702C>T (p.Pro901Leu)

Gene: AFF4 (ALF transcription elongation factor 4; minus strand). Cytogenetic location: 5q31.1.
Variant type: single nucleotide variant.
Coding change: c.2702C>T on transcript NM_014423.4 (MANE Select); coding-DNA position 2702, C replaced by T.
Protein change: p.Pro901Leu; replaces proline 901 with leucine.
Molecular consequence: missense variant.
Genome position (GRCh38, 1-based): chr5:132,889,109, G>A on the plus strand (C>T on the coding strand, the complement: AFF4 is on the minus strand). VCF-style: chr5-132889109-G-A. GRCh37 (hg19) VCF-style: chr5-132224801-G-A.
Other names: short protein forms P901L.
Identifiers: ClinVar variation 1699031 (VCV001699031.3), dbSNP rs2150067444, ClinGen allele CA360971082.

ClinVar aggregate classification (germline): Uncertain significance (1 of 4 stars; one submission).

Conditions:
Cognitive impairment - coarse facies - heart defects - obesity - pulmonary involvement - short stature - skeletal dysplasia syndrome. Also called: COGNITIVE IMPAIRMENT, COARSE FACIES, HEART DEFECTS, OBESITY, PULMONARY INVOLVEMENT, SHORT STATURE, AND SKELETAL DYSPLASIA; Chops syndrome; AFF4-Related CHOPS Syndrome. Identifiers: Orphanet 444077, MedGen C4085597, MONDO:0014609, OMIM 616368.

Submission:

Victorian Clinical Genetics Services, Murdoch Childrens Research Institute
Classification: Uncertain significance for Cognitive impairment - coarse facies - heart defects - obesity - pulmonary involvement - short stature - skeletal dysplasia syndrome. Last evaluated: 2022-02-02. Review status: criteria provided, single submitter. Criteria: ACMG Guidelines, 2015. Collection method: clinical testing. Allele origin: germline. Inheritance: Autosomal dominant inheritance.
Comment: Based on the classification scheme VCGS_Germline_v1.3.4, this variant is classified as VUS-3B. Following criteria are met: 0101 - Gain of function is a known mechanism of disease in this gene and is associated with CHOPS syndrome (MIM#616368) (PMID: 25730767). (I) 0107 - This gene is associated with autosomal dominant disease. (I) 0200 - Variant is predicted to result in a missense amino acid change from proline to leucine. (I) 0251 - This variant is heterozygous. (I) 0301 - Variant is absent from gnomAD (both v2 and v3). (SP) 0502 - Missense variant with conflicting in silico predictions and uninformative conservation. (I) 0600 - Variant is located in the annotated AF-4 proto-oncoprotein C-terminal region (NCBI). (I) 0705 - No comparable missense variants have previous evidence for pathogenicity. (I) 0807 - This variant has no previous evidence of pathogenicity. (I) 0905 - No published segregation evidence has been identified for this variant. (I) 1007 - No published functional evidence has been identified for this variant. (I) 1208 - Inheritance information for this variant is not currently available in this individual. (I) Legend: (SP) - Supporting pathogenic, (I) - Information, (SB) - Supporting benign

Literature cited by the submitters: PubMed 25730767.